The following is an entry in ClinVar:

NM_000152.5(GAA):c.460_465del (p.Arg154_Thr155del)

Gene: GAA (alpha glucosidase; plus strand). Cytogenetic location: 17q25.3.
Variant type: Deletion.
Coding change: c.460_465del on transcript NM_000152.5 (MANE Select); coding-DNA positions 460 to 465, 6 bases deleted (CGTACC; older notation c.460_465delCGTACC).
Protein change: p.Arg154_Thr155del.
Molecular consequence: inframe deletion.
Genome position (GRCh38, 1-based): chr17:80,105,046-80,105,051, CGTACC deleted; deleting any 6 consecutive bases within chr17:80,105,043-80,105,051 gives the same sequence; the c. name uses the placement nearest the transcript's 3' end. VCF-style (leftmost placement, unchanged base first): chr17-80105042-GACCCGT-G. GRCh37 (hg19) VCF-style: chr17-78078841-GACCCGT-G.
Other names: NM_000152.5(GAA):c.460_465del; p.Arg154_Thr155del; c.460_465del, p.Arg154_Thr155del (NM_001079803.3, NM_001079804.3); c.460_465del6 (NM_000152.4); c.460_465del (LRG_673t1, NM_000152.3).
Identifiers: ClinVar variation 551306 (VCV000551306.14), dbSNP rs1555598888, ClinGen allele CA658795230.

ClinVar aggregate classification (germline): Likely pathogenic. Review status: reviewed by expert panel (3 of 4 stars). 8 submissions from 8 submitters: Likely pathogenic (1). 7 of the submissions do not count toward it. Last evaluated 2025-10-21.

Conditions:
GAA-related disorder. Also called: GAA-related condition.
Glycogen storage disease, type II (IOPD). Also called: POMPE DISEASE, INFANTILE-ONSET; GLYCOGEN STORAGE DISEASE II, INFANTILE-ONSET; ACID ALPHA-GLUCOSIDASE DEFICIENCY, INFANTILE-ONSET; GAA DEFICIENCY, INFANTILE-ONSET; ACID MALTASE DEFICIENCY, INFANTILE-ONSET; Glucosidase acid-1,4-alpha deficiency. Identifiers: Orphanet 365, MedGen C0017921, MONDO:0009290, OMIM 232300.

Submissions (8):

ClinGen Lysosomal Storage Disorder Variant Curation Expert Panel
Classification: Likely pathogenic for Glycogen storage disease, type II. Last evaluated: 2025-10-21. Review status: reviewed by expert panel. Criteria: clingen_lsd_acmg_specifications_v2-1. Collection method: curation. Allele origin: germline. Inheritance: Autosomal recessive inheritance.
Comment: The NM_000152.5:c.406_465 variant is predicted to cause a change in the length of the protein (p.Arg154_Thr155del) due to an in-frame deletion of 2 amino acids in a non-repeat region (PM4). At least two individuals with infantile-onset Pompe disease have been reported in the literature with this variant (PMIDs: 29122469, 32711049) (PP4_moderate). One individual (PMID 32711049) is described as having symptoms of classic infantile-onset Pompe disease with hypertrophic cardiomyopathy and muscle weakness. Enzyme activity was reported as deficient in lymphocytes, but reference range is not provided. The other individual (PMID: 29122469) is reported to have IOPD confirmed by deficient GAA enzyme activity, but no value or reference range is provided. Both individuals are reported to have a second GAA variant classified as pathogenic by the ClinGen LD VCEP; c.1935C>A (p.Asp645Glu) (PMID: 32711049) and c.1411_1414del4 (p.Glu471fs*5) (PMID: 29122469) (PM3). Of note, the latter individual also harbors the complex allele c.[752C>T, 761C>T], p.[Ser251Leu, Ser254Leu]; phasing is not reported. This variant is also found in a publication describing a cohort of patients with CRIM-positive infantile-onset Pompe disease determined by western blot on skin fibroblasts, though no specific enzyme activity or clinical phenotype is provided (PMID: 22252923). This variant is absent in gnomAD v4.1.0. (PM2_Supporting). Computational models conflict with a MutPred-Indel score of 0.83, which meets the threshold of >0.5 for "pathogenic." MutationTaster-2021 (GRCh37) gives a prediction of "deleterious" while MutationTaster-2025 (GRCh38) gives a prediction of benign. Therefore, neither PP3 nor BP4 is applied. There is a ClinVar entry for this variant (Variation ID: 551306). In summary, this variant meets the criteria to be classified as likely pathogenic for Pompe disease based on the ACMG/AMP criteria applied, as specified by the ClinGen Lysosomal Diseases Variant Curation Expert Panel (Specifications Version 2.0): PM4, PP4_moderate, PM3, PP2_supporting (Classification approved by the ClinGen Lysosomal Diseases Variant Curation Expert Panel on October 21, 2025)

Genomenon, Inc
Classification: Likely pathogenic for Glycogen storage disease, type II. Last evaluated: 2026-07-01. Review status: criteria provided, single submitter. Criteria: Genomenon Sequence Variant Interpretation Standards - Updated. Collection method: curation. Allele origin: germline. Affected: yes. Not counted in ClinVar's aggregate classification.
Comment: GAA p.Arg154_Thr155del (c.460_465del) is an in-frame deletion that results in the loss of Arginine at codon 154 and Threonine at codon 155. This variant has been observed in at least one proband with a GAA-related disorder in the compound heterozygous and/or homozygous state (PMID:32711049;29122469). It is absent or not present at a significant frequency in gnomAD. In conclusion, we classify GAA p.Arg154_Thr156del (c.460_465del) as a likely pathogenic variant.

PreventionGenetics, part of Exact Sciences
Classification: Likely pathogenic for GAA-related condition. Last evaluated: 2025-01-31. Review status: criteria provided, single submitter. Criteria: ACMG Guidelines, 2015. Collection method: clinical testing. Allele origin: germline. Not counted in ClinVar's aggregate classification.
Comment: The GAA c.460_465del6 variant is predicted to result in an in-frame deletion (p.Arg154_Thr155del). This variant has been reported along with another pathogenic variants in patients with clinical and biochemical features consistent with infantile-onset Pompe disease (Mori et al. 2017. PubMed ID: 29122469; Su et al. 2020. PubMed ID: 32711049). This variant has not been reported in a large population database (gnomAD), indicating this variant is rare. Nearby in-frame deletions (c.457_465del and c.461_469del) have also been reported in individuals with Pompe disease (Kroos et al. 2008. PubMed ID: 18425781; van der Beek et al. 2008. PubMed ID: 18757064). The c.460_465del6 variant is interpreted as likely pathogenic.

Labcorp Genetics (formerly Invitae), Labcorp
Classification: Pathogenic for Glycogen storage disease, type II. Last evaluated: 2025-01-14. Review status: criteria provided, single submitter. Criteria: Invitae Variant Classification Sherloc (09022015). Collection method: clinical testing. Allele origin: germline. Not counted in ClinVar's aggregate classification.
Comment: This variant, c.460_465del, results in the deletion of 2 amino acid(s) of the GAA protein (p.Arg154_Thr155del), but otherwise preserves the integrity of the reading frame. This variant is not present in population databases (gnomAD no frequency). This variant has been observed in individual(s) with Pompe disease (PMID: 22252923, 29122469, 32711049; internal data). In at least one individual the data is consistent with being in trans (on the opposite chromosome) from a pathogenic variant. ClinVar contains an entry for this variant (Variation ID: 551306). Experimental studies and prediction algorithms are not available or were not evaluated, and the functional significance of this variant is currently unknown. For these reasons, this variant has been classified as Pathogenic.

Revvity Omics, Revvity
Classification: Uncertain significance. Last evaluated: 2024-07-08. Review status: criteria provided, single submitter. Criteria: ACMG Guidelines, 2015. Collection method: clinical testing. Allele origin: germline. Not counted in ClinVar's aggregate classification.

Fulgent Genetics
Classification: Likely pathogenic for Glycogen storage disease, type II. Last evaluated: 2024-03-15. Review status: criteria provided, single submitter. Criteria: ACMG Guidelines, 2015. Collection method: clinical testing. Allele origin: germline. Not counted in ClinVar's aggregate classification.

Genome-Nilou Lab
Classification: Uncertain significance for Glycogen storage disease, type II. Last evaluated: 2021-09-05. Review status: criteria provided, single submitter. Criteria: ACMG Guidelines, 2015. Collection method: clinical testing. Allele origin: germline. Affected: no. Not counted in ClinVar's aggregate classification.

Counsyl
Classification: Uncertain significance for Glycogen storage disease, type II. Last evaluated: 2017-03-29. Review status: no assertion criteria provided. Collection method: clinical testing. Allele origin: unknown. Not counted in ClinVar's aggregate classification.

Literature cited by the submitters: PubMed 32711049 (cited by Genomenon, Inc and Labcorp Genetics (formerly Invitae), Labcorp); PubMed 29122469 (cited by Genomenon, Inc and Labcorp Genetics (formerly Invitae), Labcorp); PubMed 22252923 (cited by Labcorp Genetics (formerly Invitae), Labcorp and Counsyl).